The following is an entry in ClinVar:

NM_003579.4(RAD54L):c.209A>G (p.His70Arg)

Gene: RAD54L (RAD54 like; plus strand). Cytogenetic location: 1p34.1.
Variant type: single nucleotide variant.
Coding change: c.209A>G on transcript NM_003579.4 (MANE Select); coding-DNA position 209, A replaced by G.
Protein change: p.His70Arg; replaces histidine 70 with arginine.
Molecular consequence: missense variant. On other transcripts: 5 prime UTR variant (1).
Genome position (GRCh38, 1-based): chr1:46,250,118, A>G. VCF-style: chr1-46250118-A-G. GRCh37 (hg19) VCF-style: chr1-46715790-A-G.
Other names: c.209A>G, p.His70Arg (NM_001142548.2); c.-332A>G (NM_001370766.1); short protein forms H70R.
Identifiers: ClinVar variation 3312417 (VCV003312417.1).

ClinVar aggregate classification (germline): Uncertain significance (1 of 4 stars; one submission).

Submission:

Ambry Genetics
Classification: Uncertain significance. Last evaluated: 2024-05-15. Review status: criteria provided, single submitter. Criteria: Ambry Variant Classification Scheme 2023. Collection method: clinical testing. Allele origin: germline.
Comment: The p.H70R variant (also known as c.209A>G), located in coding exon 3 of the RAD54L gene, results from an A to G substitution at nucleotide position 209. The histidine at codon 70 is replaced by arginine, an amino acid with highly similar properties. This amino acid position is conserved. In addition, the in silico prediction for this alteration is inconclusive. Based on the available evidence, the clinical significance of this variant remains unclear.